The following is an entry in ClinVar:

NM_000352.6(ABCC8):c.823-1G>A

Gene: ABCC8 (ATP binding cassette subfamily C member 8; minus strand). Cytogenetic location: 11p15.1.
Variant type: single nucleotide variant.
Coding change: c.823-1G>A on transcript NM_000352.6 (MANE Select); the canonical splice acceptor site of the intron before coding-DNA position 823, G replaced by A.
Molecular consequence: splice acceptor variant.
Genome position (GRCh38, 1-based): chr11:17,460,677, C>T on the plus strand (G>A on the coding strand, the complement: ABCC8 is on the minus strand). VCF-style: chr11-17460677-C-T. GRCh37 (hg19) VCF-style: chr11-17482224-C-T.
Other names: c.820-1G>A (NM_001351297.2, NM_001351296.2); c.823-1G>A (NM_001351295.2, NM_001287174.3).
Identifiers: ClinVar variation 553886 (VCV000553886.3), dbSNP rs1247430874, ClinGen allele CA379777807.

ClinVar aggregate classification (germline): Uncertain significance. Review status: criteria provided, single submitter (1 of 4 stars). 3 submissions from 2 submitters: Uncertain significance (2). 1 of the submissions does not count toward it.

Conditions:
Transitory neonatal diabetes mellitus. Also called: Transient neonatal diabetes mellitus. Identifiers: MedGen C0342273, MONDO:0020525, HP:0008255.
Maturity-onset diabetes of the young (MODY). Also called: Maturity onset diabetes mellitus in young. Identifiers: Orphanet 552, MedGen C0342276, MONDO:0018911, HP:0004904.
Hyperinsulinemic hypoglycemia, familial, 1 (HHF1). Also called: Persistent hyperinsulinemic hypoglycemia of infancy; HYPERINSULINISM, FAMILIAL, WITH PANCREATIC NESIDIOBLASTOSIS; HYPOGLYCEMIA, HYPERINSULINEMIC, OF INFANCY; NESIDIOBLASTOSIS OF PANCREAS; Persistent Hyperinsulinemia Hypoglycemia of Infancy. Identifiers: Orphanet 276575, Orphanet 276598, MedGen C2931832, MONDO:0009734, OMIM 256450.

Submissions (3):

Clinical Genomics, Uppaluri K&H Personalized Medicine Clinic
Classification: Uncertain significance for Maturity-onset diabetes of the young. Review status: criteria provided, single submitter. Criteria: K & H Uppaluri Personalized Medicine Clinic Variant Classification & Assertion Criteria_Updated V.1. Collection method: research. Allele origin: unknown. Inheritance: Somatic mutation.
Comment: Mutations in ABCC8 gene are associated with both neonatal diabetes mellitus as well as MODY. Patients with this mutation may have a better response to sulfonylureas. However, no sufficient evidence is found to ascertain the role of this particular variant ( rs1247430874) in MODY yet.

Clinical Genomics, Uppaluri K&H Personalized Medicine Clinic
Classification: Uncertain significance for Transitory neonatal diabetes mellitus. Review status: criteria provided, single submitter. Criteria: K & H Uppaluri Personalized Medicine Clinic Variant Classification & Assertion Criteria_Updated V.1. Collection method: research. Allele origin: unknown. Inheritance: Somatic mutation.
Comment: Mutations in ABCC8 gene are associated with both neonatal diabetes mellitus as well as MODY. Patients with this mutation may have a better response to sulfonylureas. However, no sufficient evidence is found to ascertain the role of this particular variant ( rs1247430874) in neonatal diabetes yet.

Counsyl
Classification: Likely pathogenic for Hyperinsulinemic hypoglycemia, familial, 1. Last evaluated: 2017-09-18. Review status: no assertion criteria provided. Collection method: clinical testing. Allele origin: unknown. Not counted in ClinVar's aggregate classification.

Literature cited by the submitters: PubMed 16885549 (cited by Clinical Genomics, Uppaluri K&H Personalized Medicine Clinic); PubMed 21989597 (cited by Clinical Genomics, Uppaluri K&H Personalized Medicine Clinic); PubMed 27538677 (cited by Clinical Genomics, Uppaluri K&H Personalized Medicine Clinic); PubMed 18981553 (cited by Clinical Genomics, Uppaluri K&H Personalized Medicine Clinic); PubMed 32027066 (cited by Clinical Genomics, Uppaluri K&H Personalized Medicine Clinic); PubMed 16613899 (cited by Clinical Genomics, Uppaluri K&H Personalized Medicine Clinic); PubMed 18025408 (cited by Clinical Genomics, Uppaluri K&H Personalized Medicine Clinic); PubMed 32792356 (cited by Clinical Genomics, Uppaluri K&H Personalized Medicine Clinic).